The following is an entry in ClinVar:

ClinVar aggregate classification (germline): Uncertain significance (1 of 4 stars; one submission).

gnomAD v4.1: 8 of 1,613,028 alleles (0.0005%); highest among the groups gnomAD compares: African/African-American, 0.0027%; no homozygotes.

Submission:

Labcorp Genetics (formerly Invitae), Labcorp
Classification: Uncertain significance. Last evaluated: 2024-03-20. Review status: criteria provided, single submitter. Criteria: Invitae Variant Classification Sherloc (09022015). Collection method: clinical testing. Allele origin: germline.
Comment: This sequence change replaces alanine, which is neutral and non-polar, with threonine, which is neutral and polar, at codon 417 of the ZBTB20 protein (p.Ala417Thr). This variant is not present in population databases (gnomAD no frequency). This variant has not been reported in the literature in individuals affected with ZBTB20-related conditions. Advanced modeling of protein sequence and biophysical properties (such as structural, functional, and spatial information, amino acid conservation, physicochemical variation, residue mobility, and thermodynamic stability) performed at Invitae indicates that this missense variant is not expected to disrupt ZBTB20 protein function with a negative predictive value of 95%. In summary, the available evidence is currently insufficient to determine the role of this variant in disease. Therefore, it has been classified as a Variant of Uncertain Significance.

NM_001348800.3(ZBTB20):c.1249G>A (p.Ala417Thr)

Gene: ZBTB20 (zinc finger and BTB domain containing 20; minus strand). Cytogenetic location: 3q13.31.
Variant type: single nucleotide variant.
Coding change: c.1249G>A on transcript NM_001348800.3 (MANE Select); coding-DNA position 1249, G replaced by A.
Protein change: p.Ala417Thr; replaces alanine 417 with threonine.
Molecular consequence: missense variant.
Genome position (GRCh38, 1-based): chr3:114,350,829, C>T on the plus strand (G>A on the coding strand, the complement: ZBTB20 is on the minus strand). VCF-style: chr3-114350829-C-T. GRCh37 (hg19) VCF-style: chr3-114069676-C-T.
Other names: c.1249G>A, p.Ala417Thr (NM_001164342.2, NM_001348803.3, NM_001393393.1 and 1 more transcripts); c.1030G>A, p.Ala344Thr (NM_001164343.2, NM_001164344.4, NM_001164345.4 and 9 more transcripts); short protein forms A417T, A344T.
Identifiers: ClinVar variation 3682922 (VCV003682922.2).